The following is an entry in ClinVar:

NM_020336.4(RALGAPB):c.2994A>G (p.Ala998=)

Gene: RALGAPB (Ral GTPase activating protein non-catalytic subunit beta; plus strand). Cytogenetic location: 20q11.23.
Variant type: single nucleotide variant.
Coding change: c.2994A>G on transcript NM_020336.4 (MANE Select); coding-DNA position 2994, A replaced by G.
Protein change: p.Ala998=; no amino-acid change (alanine 998 retained).
Molecular consequence: synonymous variant.
Genome position (GRCh38, 1-based): chr20:38,548,780, A>G. VCF-style: chr20-38548780-A-G. GRCh37 (hg19) VCF-style: chr20-37177423-A-G.
Other names: c.2994A>G, p.Ala998= (NM_001282917.2); c.2982A>G, p.Ala994= (NM_001282918.2).
Identifiers: ClinVar variation 3037681 (VCV003037681.2), dbSNP rs805548, ClinGen allele CA9854365.

ClinVar aggregate classification (germline): Benign (0 of 4 stars; one submission).

Conditions:
RALGAPB-related disorder. Also called: RALGAPB-related condition.

Allele frequency attached by ClinVar (database versions not stated): ExAC 0.03632; 1000 Genomes Project 0.06589; gnomAD 0.07125; 1000 Genomes Project 30x 0.07136; ESP Exome Variant Server 0.07374; TOPMed 0.07861.
gnomAD v4.1: 58,259 of 1,611,756 alleles (3.6%); highest among the groups gnomAD compares: African/African-American, 18%; 1,995 homozygotes.

Submission:

PreventionGenetics, part of Exact Sciences
Classification: Benign for RALGAPB-related condition. Last evaluated: 2020-02-26. Review status: no assertion criteria provided. Collection method: clinical testing. Allele origin: germline.
Comment: This variant is classified as benign based on ACMG/AMP sequence variant interpretation guidelines (Richards et al. 2015 PMID: 25741868, with internal and published modifications).